The following is an entry in ClinVar:

ClinVar aggregate classification (germline): Uncertain significance (1 of 4 stars; one submission).

Submission:

Labcorp Genetics (formerly Invitae), Labcorp
Classification: Uncertain significance. Last evaluated: 2022-08-27. Review status: criteria provided, single submitter. Criteria: Invitae Variant Classification Sherloc (09022015). Collection method: clinical testing. Allele origin: germline.
Comment: This sequence change replaces histidine, which is basic and polar, with aspartic acid, which is acidic and polar, at codon 1176 of the TTBK2 protein (p.His1176Asp). This variant is not present in population databases (gnomAD no frequency). In summary, the available evidence is currently insufficient to determine the role of this variant in disease. Therefore, it has been classified as a Variant of Uncertain Significance. Algorithms developed to predict the effect of missense changes on protein structure and function are either unavailable or do not agree on the potential impact of this missense change (SIFT: "Tolerated"; PolyPhen-2: "Probably Damaging"; Align-GVGD: "Class C0"). This variant has not been reported in the literature in individuals affected with TTBK2-related conditions.

NM_173500.4(TTBK2):c.3526C>G (p.His1176Asp)

Gene: TTBK2 (tau tubulin kinase 2; minus strand). Cytogenetic location: 15q15.2.
Variant type: single nucleotide variant.
Coding change: c.3526C>G on transcript NM_173500.4 (MANE Select); coding-DNA position 3526, C replaced by G.
Protein change: p.His1176Asp; replaces histidine 1176 with aspartic acid.
Molecular consequence: missense variant.
Genome position (GRCh38, 1-based): chr15:42,746,004, G>C on the plus strand (C>G on the coding strand, the complement: TTBK2 is on the minus strand). VCF-style: chr15-42746004-G-C. GRCh37 (hg19) VCF-style: chr15-43038202-G-C.
Other names: short protein forms H1176D.
Identifiers: ClinVar variation 1933616 (VCV001933616.5), dbSNP rs538828713, ClinGen allele CA392065621.